The following is an entry in ClinVar:

NM_000245.4(MET):c.2360C>T (p.Thr787Ile)

Gene: MET (MET proto-oncogene, receptor tyrosine kinase; plus strand). Cytogenetic location: 7q31.2.
Variant type: single nucleotide variant.
Coding change: c.2360C>T on transcript NM_000245.4 (MANE Select); coding-DNA position 2360, C replaced by T.
Protein change: p.Thr787Ile; replaces threonine 787 with isoleucine.
Molecular consequence: missense variant.
Genome position (GRCh38, 1-based): chr7:116,759,486, C>T. VCF-style: chr7-116759486-C-T. GRCh37 (hg19) VCF-style: chr7-116399540-C-T.
Other names: c.2414C>T (NM_001127500.1); c.2414C>T, p.Thr805Ile (NM_001127500.3); c.2360C>T, p.Thr787Ile (NM_001324401.3); c.1070C>T, p.Thr357Ile (NM_001324402.2); short protein forms T357I, T787I, T805I.
Identifiers: ClinVar variation 1518293 (VCV001518293.9), dbSNP rs2116939286, ClinGen allele CA368982578.

ClinVar aggregate classification (germline): Uncertain significance. Review status: criteria provided, multiple submitters, no conflicts (2 of 4 stars). 2 submissions from 2 submitters: Uncertain significance (2). Last evaluated 2023-07-19.

Conditions:
Renal cell carcinoma. Identifiers: Orphanet 217071, MedGen C0007134, MeSH D002292, MONDO:0005086, HP:0005584.
Hereditary cancer-predisposing syndrome. Also called: Hereditary neoplastic syndrome; Hereditary Cancer Syndrome; Tumor predisposition; Neoplastic Syndromes, Hereditary. Identifiers: Orphanet 140162, MedGen C0027672, MeSH D009386, MONDO:0015356.

Submissions (2):

Labcorp Genetics (formerly Invitae), Labcorp
Classification: Uncertain significance for Renal cell carcinoma. Last evaluated: 2023-07-19. Review status: criteria provided, single submitter. Criteria: Invitae Variant Classification Sherloc (09022015). Collection method: clinical testing. Allele origin: germline.
Comment: In summary, the available evidence is currently insufficient to determine the role of this variant in disease. Therefore, it has been classified as a Variant of Uncertain Significance. Advanced modeling of protein sequence and biophysical properties (such as structural, functional, and spatial information, amino acid conservation, physicochemical variation, residue mobility, and thermodynamic stability) performed at Invitae indicates that this missense variant is not expected to disrupt MET protein function. ClinVar contains an entry for this variant (Variation ID: 1518293). This variant has not been reported in the literature in individuals affected with MET-related conditions. This variant is not present in population databases (gnomAD no frequency). This sequence change replaces threonine, which is neutral and polar, with isoleucine, which is neutral and non-polar, at codon 805 of the MET protein (p.Thr805Ile).

Ambry Genetics
Classification: Uncertain significance for Hereditary cancer-predisposing syndrome. Last evaluated: 2023-05-27. Review status: criteria provided, single submitter. Criteria: Ambry Variant Classification Scheme 2023. Collection method: clinical testing. Allele origin: germline.
Comment: The p.T805I variant (also known as c.2414C>T), located in coding exon 9 of the MET gene, results from a C to T substitution at nucleotide position 2414. The threonine at codon 805 is replaced by isoleucine, an amino acid with similar properties. This amino acid position is conserved. In addition, the in silico prediction for this alteration is inconclusive. Since supporting evidence is limited at this time, the clinical significance of this alteration remains unclear.